The following is an entry in ClinVar:

NM_018129.4(PNPO):c.263+1G>C

Gene: PNPO (pyridoxamine 5'-phosphate oxidase; plus strand). Cytogenetic location: 17q21.32.
Variant type: single nucleotide variant.
Coding change: c.263+1G>C on transcript NM_018129.4 (MANE Select); the canonical splice donor site of the intron after coding-DNA position 263, G replaced by C.
Molecular consequence: splice donor variant.
Genome position (GRCh38, 1-based): chr17:47,943,431, G>C. VCF-style: chr17-47943431-G-C. GRCh37 (hg19) VCF-style: chr17-46020797-G-C.
Identifiers: ClinVar variation 1412292 (VCV001412292.8), dbSNP rs895303255, ClinGen allele CA291294413.

ClinVar aggregate classification (germline): Pathogenic (1 of 4 stars; one submission).

Conditions:
Pyridoxal phosphate-responsive seizures (PNPOD). Also called: Pyridoxine-5'-phosphate oxidase deficiency; Pyridoxal 5'-Phosphate (PLP)-Dependent Epilepsy; EPILEPTIC ENCEPHALOPATHY, NEONATAL, PNPO-RELATED; SEIZURES, PYRIDOXINE-RESISTANT, PLP-SENSITIVE; Pyridoxamine 5-Prime-Phosphate Oxidase Deficiency. Identifiers: Orphanet 79096, MedGen C1864723, MONDO:0012407, OMIM 610090. Disease mechanism: loss of function.

Allele frequency attached by ClinVar (database versions not stated): gnomAD exomes below 0.00001; gnomAD 0.00001; TOPMed 0.00001.
gnomAD v4.1: 3 of 1,613,440 alleles (0.00019%); highest among the groups gnomAD compares: African/African-American, 0.004%; no homozygotes.

Submission:

Labcorp Genetics (formerly Invitae), Labcorp
Classification: Pathogenic for Pyridoxal phosphate-responsive seizures. Last evaluated: 2023-11-01. Review status: criteria provided, single submitter. Criteria: Invitae Variant Classification Sherloc (09022015). Collection method: clinical testing. Allele origin: germline.
Comment: This sequence change affects a donor splice site in intron 2 of the PNPO gene. It is expected to disrupt RNA splicing. Variants that disrupt the donor or acceptor splice site typically lead to a loss of protein function (PMID: 16199547), and loss-of-function variants in PNPO are known to be pathogenic (PMID: 15772097, 24645144). This variant is present in population databases (no rsID available, gnomAD 0.01%). Disruption of this splice site has been observed in individual(s) with pyridoxal 5'-phosphate dependent epilepsy (PMID: 24297574). ClinVar contains an entry for this variant (Variation ID: 1412292). Algorithms developed to predict the effect of sequence changes on RNA splicing suggest that this variant may disrupt the consensus splice site. For these reasons, this variant has been classified as Pathogenic.

Literature cited by the submitters: PubMed 16199547; PubMed 15772097; PubMed 24645144; PubMed 24297574.